The following is an entry in ClinVar:

ClinVar aggregate classification (germline): Uncertain significance. Review status: criteria provided, multiple submitters, no conflicts (2 of 4 stars). 8 submissions from 8 submitters: Uncertain significance (8). Last evaluated 2026-08-03.

Conditions:
DNAH11-related disorder. Also called: DNAH11-related condition.
Primary ciliary dyskinesia 7. Also called: CILIARY DYSKINESIA, PRIMARY, 7, WITH OR WITHOUT SITUS INVERSUS. Identifiers: Orphanet 244, MedGen C2678473, MONDO:0012748, OMIM 611884.
Primary ciliary dyskinesia. Also called: Ciliary dyskinesia. Identifiers: Orphanet 244, MedGen C0008780, MONDO:0016575, HP:0012265.

Allele frequency attached by ClinVar (database versions not stated): ExAC 0.00003; gnomAD 0.00004; gnomAD exomes 0.00004; TOPMed 0.00006.
gnomAD v4.1: 38 of 1,591,156 alleles (0.0024%); highest among the groups gnomAD compares: African/African-American, 0.0054%; no homozygotes.

Submissions (8):

PreventionGenetics, part of Exact Sciences
Classification: Uncertain significance for DNAH11-related condition. Last evaluated: 2026-08-03. Review status: criteria provided, single submitter. Criteria: ACMG Guidelines, 2015. Collection method: clinical testing. Allele origin: germline.
Comment: The DNAH11 c.13310G>A variant is predicted to result in the amino acid substitution p.Arg4437His. This variant was reported along with a second rare DNAH11 variant in two siblings with phenotypes consistent with primary ciliary dyskinesia; however, the siblings were also homozygous for a likely pathogenic variant in the CCDC40 gene (Olm et al. 2019. PubMed ID: 31213628). This variant was also reported along with a second DNAH11 variant of uncertain significance in an infant with heterotaxy and congenital heart disease (DOI 10.3233/TRD-230059). This variant is reported in 0.011% of alleles in individuals of East Asian descent in gnomAD. At this time, the clinical significance of this variant is uncertain due to the absence of conclusive functional and genetic evidence.

Women's Health and Genetics/Laboratory Corporation of America, LabCorp
Classification: Uncertain significance. Last evaluated: 2026-04-02. Review status: criteria provided, single submitter. Criteria: LabCorp Variant Classification Summary - May 2015. Collection method: clinical testing. Allele origin: germline.
Comment: Variant summary: DNAH11 c.13310G>A (p.Arg4437His) results in a non-conservative amino acid change in the encoded protein sequence. Algorithms developed to predict the effect of missense changes on protein structure and function are either unavailable or do not agree on the potential impact of this missense change. The variant allele was found at a frequency of 3.8e-05 in 234546 control chromosomes. The available data on variant occurrences in the general population are insufficient to allow any conclusion about variant significance. c.13310G>A has been observed in the presumed compound heterozygous state in at least 1 individual with primary ciliary dyskinesia (example, internal data) and the simple heterozygous state in at least 2 individual(s) affected with Primary Ciliary Dyskinesia 7 who also had an alternative homozygous genotype (CCDC40) apparently responsible for disease (example, Olm_2019). These data do not allow any conclusion about variant significance. To our knowledge, no experimental evidence demonstrating an impact on protein function has been reported. The following publication has been ascertained in the context of this evaluation (PMID: 31213628). ClinVar contains an entry for this variant (Variation ID: 977532). Based on the evidence outlined above, the variant was classified as uncertain significance.

ARUP Laboratories, Molecular Genetics and Genomics, ARUP Laboratories
Classification: Uncertain significance for Primary ciliary dyskinesia 7. Last evaluated: 2025-05-05. Review status: criteria provided, single submitter. Criteria: ARUP Molecular Germline Variant Investigation Process 2024. Collection method: clinical testing. Allele origin: germline.
Comment: The DNAH11 c.13310G>A; p.Arg4437His variant (rs775606157) is reported in the literature in an individual with primary ciliary dyskinesia whose features could be explained by pathogenic variants in a different gene (Olm 2019), and has been reported in a patient with complex congenital heart disease, but who did not have a genetic or clinical diagnosis of primary ciliary dyskinesia (Marquez 2023). This variant is also reported in ClinVar (Variation ID: 977532). It is observed in the general population with an overall allele frequency of 0.004% (11/265936 alleles) in the Genome Aggregation Database. Computational analyses are uncertain whether this variant is neutral or deleterious (REVEL: 0.212). Due to limited information, the clinical significance of this variant is uncertain at this time. References: Olm MAK et al. Severe pulmonary disease in an adult primary ciliary dyskinesia population in Brazil. Sci Rep. 2019 Jun 18;9(1):8693. PMID: 31213628. Marquez J et al. Ciliopathy Gene Variants and Perioperative Respiratory Outcomes in Infants with Heterotaxy Syndrome and Congenital Heart Disease. Transl Sci Rare Dis. 2023;6(3):59 -72.

Blueprint Genetics
Classification: Uncertain significance. Last evaluated: 2024-11-27. Review status: criteria provided, single submitter. Criteria: ACMG Guidelines, 2015. Collection method: clinical testing. Allele origin: germline.

Labcorp Genetics (formerly Invitae), Labcorp
Classification: Uncertain significance for Primary ciliary dyskinesia. Last evaluated: 2024-11-13. Review status: criteria provided, single submitter. Criteria: Invitae Variant Classification Sherloc (09022015). Collection method: clinical testing. Allele origin: germline.
Comment: This sequence change replaces arginine, which is basic and polar, with histidine, which is basic and polar, at codon 4437 of the DNAH11 protein (p.Arg4437His). This variant is present in population databases (rs775606157, gnomAD 0.01%). This missense change has been observed in individual(s) with clinical features of primary ciliary dyskinesia (internal data). ClinVar contains an entry for this variant (Variation ID: 977532). Invitae Evidence Modeling of protein sequence and biophysical properties (such as structural, functional, and spatial information, amino acid conservation, physicochemical variation, residue mobility, and thermodynamic stability) indicates that this missense variant is not expected to disrupt DNAH11 protein function with a negative predictive value of 80%. This variant disrupts the p.Arg4437 amino acid residue in DNAH11. Other variant(s) that disrupt this residue have been observed in individuals with DNAH11-related conditions (PMID: 24450482; internal data), which suggests that this may be a clinically significant amino acid residue. In summary, the available evidence is currently insufficient to determine the role of this variant in disease. Therefore, it has been classified as a Variant of Uncertain Significance.

Fulgent Genetics
Classification: Uncertain significance for Primary ciliary dyskinesia 7. Last evaluated: 2021-10-21. Review status: criteria provided, single submitter. Criteria: ACMG Guidelines, 2015. Collection method: clinical testing. Allele origin: unknown.

UNC Molecular Genetics  Laboratory, University of North Carolina at Chapel Hill
Classification: Uncertain significance for Primary ciliary dyskinesia. Last evaluated: 2018-10-31. Review status: criteria provided, single submitter. Criteria: ACMG Guidelines, 2015. Collection method: clinical testing. Allele origin: germline. Observed: 1 compound heterozygote.

Ambry Genetics
Classification: Uncertain significance for Primary ciliary dyskinesia. Last evaluated: 2016-08-30. Review status: criteria provided, single submitter. Criteria: Ambry Variant Classification Scheme 2023. Collection method: clinical testing. Allele origin: germline.
Comment: The p.R4437H variant (also known as c.13310G>A), located in coding exon 82 of the DNAH11 gene, results from a G to A substitution at nucleotide position 13310. The arginine at codon 4437 is replaced by histidine, an amino acid with highly similar properties. This variant was not reported in population based cohorts in the following databases: Database of Single Nucleotide Polymorphisms (dbSNP), NHLBI Exome Sequencing Project (ESP), and 1000 Genomes Project. In the ESP, this variant was not observed in 5973 samples (11946 alleles) with coverage at this position. This amino acid position is well conserved in available vertebrate species. In addition, this alteration is predicted to be tolerated by in silico analysis. Since supporting evidence is limited at this time, the clinical significance of this alteration remains unclear.

Literature cited by the submitters: PubMed 31213628 (cited by Women's Health and Genetics/Laboratory Corporation of America, LabCorp); PubMed 24450482 (cited by Labcorp Genetics (formerly Invitae), Labcorp).

NM_001277115.2(DNAH11):c.13310G>A (p.Arg4437His)

Genes: CDCA7L (cell division cycle associated 7 like; minus strand), DNAH11 (dynein axonemal heavy chain 11; plus strand). Cytogenetic location: 7p15.3.
Variant type: single nucleotide variant.
Coding change: c.13310G>A on transcript NM_001277115.2 (MANE Select); coding-DNA position 13310, G replaced by A.
Protein change: p.Arg4437His; replaces arginine 4437 with histidine.
Molecular consequence: missense variant. On other transcripts: 3 prime UTR variant (3).
Genome position (GRCh38, 1-based): chr7:21,901,013, G>A. VCF-style: chr7-21901013-G-A. GRCh37 (hg19) VCF-style: chr7-21940631-G-A.
Other names: c.*1309C>T (NM_001127370.3, NM_001127371.3, NM_018719.5); short protein forms R4437H.
Identifiers: ClinVar variation 977532 (VCV000977532.15), dbSNP rs775606157, ClinGen allele CA4183453.